The following is an entry in ClinVar:

NM_030665.4(RAI1):c.5190G>C (p.Glu1730Asp)

Gene: RAI1 (retinoic acid induced 1; plus strand). Cytogenetic location: 17p11.2.
Variant type: single nucleotide variant.
Coding change: c.5190G>C on transcript NM_030665.4 (MANE Select); coding-DNA position 5190, G replaced by C.
Protein change: p.Glu1730Asp; replaces glutamic acid 1730 with aspartic acid.
Molecular consequence: missense variant.
Genome position (GRCh38, 1-based): chr17:17,798,138, G>C. VCF-style: chr17-17798138-G-C. GRCh37 (hg19) VCF-style: chr17-17701452-G-C.
Other names: c.5190G>C (NM_030665.3); short protein forms E1730D.
Identifiers: ClinVar variation 1420204 (VCV001420204.7), dbSNP rs980403488, ClinGen allele CA398558535.

ClinVar aggregate classification (germline): Uncertain significance. Review status: criteria provided, multiple submitters, no conflicts (2 of 4 stars). 2 submissions from 2 submitters: Uncertain significance (2). Last evaluated 2025-08-30.

Conditions:
Inborn genetic diseases. Identifiers: MedGen C0950123, MeSH D030342.

gnomAD v4.1: 19 of 1,613,718 alleles (0.0012%); highest among the groups gnomAD compares: Non-Finnish European, 0.0016%; no homozygotes.

Submissions (2):

Ambry Genetics
Classification: Uncertain significance for Inborn genetic diseases. Last evaluated: 2025-08-30. Review status: criteria provided, single submitter. Criteria: Ambry Variant Classification Scheme 2023. Collection method: clinical testing. Allele origin: germline.

Labcorp Genetics (formerly Invitae), Labcorp
Classification: Uncertain significance. Last evaluated: 2022-11-07. Review status: criteria provided, single submitter. Criteria: Invitae Variant Classification Sherloc (09022015). Collection method: clinical testing. Allele origin: germline.
Comment: This sequence change replaces glutamic acid, which is acidic and polar, with aspartic acid, which is acidic and polar, at codon 1730 of the RAI1 protein (p.Glu1730Asp). In summary, the available evidence is currently insufficient to determine the role of this variant in disease. Therefore, it has been classified as a Variant of Uncertain Significance. Advanced modeling of protein sequence and biophysical properties (such as structural, functional, and spatial information, amino acid conservation, physicochemical variation, residue mobility, and thermodynamic stability) performed at Invitae indicates that this missense variant is not expected to disrupt RAI1 protein function. ClinVar contains an entry for this variant (Variation ID: 1420204). This variant has not been reported in the literature in individuals affected with RAI1-related conditions. This variant is present in population databases (no rsID available, gnomAD 0.0009%).